The following is an entry in ClinVar:

ClinVar aggregate classification (germline): Likely benign. Review status: criteria provided, multiple submitters, no conflicts (2 of 4 stars). 2 submissions from 2 submitters: Likely benign (2). Last evaluated 2024-10-30.

Conditions:
Short-rib thoracic dysplasia 10 with or without polydactyly (SRTD10). Identifiers: Orphanet 474, MedGen C3810175, MONDO:0014284, OMIM 615630.
Retinitis pigmentosa 71 (RP71). Identifiers: Orphanet 791, MedGen C4225342, MONDO:0014618, OMIM 616394.
IFT172-related disorder. Also called: IFT172-related condition; IFT172-related disorders.

gnomAD v4.1: 2 of 1,614,086 alleles (0.00012%); highest among the groups gnomAD compares: Non-Finnish European, 0.00017%; no homozygotes.

Submissions (2):

PreventionGenetics, part of Exact Sciences
Classification: Likely benign for IFT172-related condition. Last evaluated: 2024-10-30. Review status: criteria provided, single submitter. Criteria: ACMG Guidelines, 2015. Collection method: clinical testing. Allele origin: germline.
Comment: This variant is classified as likely benign based on ACMG/AMP sequence variant interpretation guidelines (Richards et al. 2015 PMID: 25741868, with internal and published modifications).

Labcorp Genetics (formerly Invitae), Labcorp
Classification: Likely benign for Retinitis pigmentosa 71; Short-rib thoracic dysplasia 10 with or without polydactyly. Last evaluated: 2022-09-06. Review status: criteria provided, single submitter. Criteria: Invitae Variant Classification Sherloc (09022015). Collection method: clinical testing. Allele origin: germline.

NM_015662.3(IFT172):c.1254C>G (p.Thr418=)

Gene: IFT172 (intraflagellar transport 172; minus strand). Cytogenetic location: 2p23.3.
Variant type: single nucleotide variant.
Coding change: c.1254C>G on transcript NM_015662.3 (MANE Select); coding-DNA position 1254, C replaced by G.
Protein change: p.Thr418=; no amino-acid change (threonine 418 retained).
Molecular consequence: synonymous variant.
Genome position (GRCh38, 1-based): chr2:27,477,288, G>C on the plus strand (C>G on the coding strand, the complement: IFT172 is on the minus strand). VCF-style: chr2-27477288-G-C. GRCh37 (hg19) VCF-style: chr2-27700155-G-C.
Other names: c.1254C>G (NM_015662.2).
Identifiers: ClinVar variation 1564355 (VCV001564355.9), dbSNP rs1468553045, ClinGen allele CA425412360.